The following is an entry in ClinVar:

ClinVar aggregate classification (germline): Pathogenic. Review status: criteria provided, multiple submitters, no conflicts (2 of 4 stars). 2 submissions from 2 submitters: Pathogenic (2). Last evaluated 2023-07-10.

Conditions:
Breast-ovarian cancer, familial, susceptibility to, 1 (BROVCA1). Also called: BRCA1 Hereditary Breast and Ovarian Cancer; OVARIAN CANCER, SUSCEPTIBILITY TO. Identifiers: Orphanet 145, MedGen C2676676, MONDO:0011450, OMIM 604370. Disease mechanism: loss of function.
Hereditary breast ovarian cancer syndrome. Also called: Hereditary breast and ovarian cancer syndrome (HBOC); Breast and ovarian cancer; Hereditary breast and/or ovarian cancer syndrome; Hereditary breast and ovarian cancer syndrome; BRCA1- and BRCA2-Associated Hereditary Breast and Ovarian Cancer; Hereditary breast and ovarian cancer. Identifiers: Orphanet 145, MedGen C0677776, MeSH D061325, MONDO:0003582. Disease mechanism: loss of function.

Submissions (2):

Myriad Genetics, Inc.
Classification: Pathogenic for Breast-ovarian cancer, familial, susceptibility to, 1. Last evaluated: 2023-07-10. Review status: criteria provided, single submitter. Criteria: Myriad Autosomal Dominant, Autosomal Recessive and X-Linked Classification Criteria (2023). Collection method: clinical testing. Allele origin: unknown.
Comment: This variant is considered pathogenic. This variant creates a frameshift predicted to result in premature protein truncation.

Labcorp Genetics (formerly Invitae), Labcorp
Classification: Pathogenic for Hereditary breast ovarian cancer syndrome. Last evaluated: 2023-04-10. Review status: criteria provided, single submitter. Criteria: Invitae Variant Classification Sherloc (09022015). Collection method: clinical testing. Allele origin: germline.
Comment: This variant is not present in population databases (gnomAD no frequency). This sequence change creates a premature translational stop signal (p.Lys355Asnfs*19) in the BRCA1 gene. It is expected to result in an absent or disrupted protein product. Loss-of-function variants in BRCA1 are known to be pathogenic (PMID: 20104584). This variant has not been reported in the literature in individuals affected with BRCA1-related conditions. For these reasons, this variant has been classified as Pathogenic.

Literature cited by the submitters: PubMed 20104584 (cited by Labcorp Genetics (formerly Invitae), Labcorp).

NM_007294.4(BRCA1):c.1065del (p.Lys355fs)

Gene: BRCA1 (BRCA1 DNA repair associated; minus strand). Cytogenetic location: 17q21.31.
Variant type: Deletion.
Coding change: c.1065del on transcript NM_007294.4 (MANE Select); coding-DNA position 1065, one base deleted (G; older notation c.1065delG).
Protein change: p.Lys355fs; shifts the reading frame from lysine 355.
Molecular consequence: frameshift variant. On other transcripts: intron variant (137).
Genome position (GRCh38, 1-based): chr17:43,094,466, C deleted on the plus strand (G on the coding strand, the reverse complement: BRCA1 is on the minus strand). VCF-style (leftmost placement, unchanged base first): chr17-43094465-GC-G. GRCh37 (hg19) VCF-style: chr17-41246482-GC-G.
Other names: c.520+278del (NM_001408505.1, NM_001408504.1, NM_001408503.1); c.460+1380del (NM_001408507.1, NM_001408506.1); c.545-3434del (NM_001408495.1); c.661+278del (NM_001408448.1, NM_001408445.1, NM_001408432.1 and 6 more transcripts); c.667+1380del (NM_001408421.1, NM_001408431.1, NM_001408424.1); c.784+278del (NM_001407991.1, NM_001408407.1, NM_001408402.1 and 13 more transcripts); c.664+278del (NM_001408427.1, NM_001408428.1, NM_001408441.1 and 12 more transcripts); c.523+278del (NM_001408496.1, NM_001408499.1, NM_001408501.1 and 3 more transcripts); and 40 more; short protein forms K187fs, K227fs, K228fs, K243fs, K244fs, K266fs, K267fs, K284fs.
Identifiers: ClinVar variation 2674341 (VCV002674341.4), dbSNP rs2552224311, ClinGen allele CA2695199936.